The following is an entry in ClinVar:

ClinVar aggregate classification (germline): Uncertain significance (1 of 4 stars; one submission).

Conditions:
Aortic valve disease 2 (AOVD2). Identifiers: MedGen C3542024, MONDO:0013902, OMIM 614823.

Submission:

Labcorp Genetics (formerly Invitae), Labcorp
Classification: Uncertain significance for Aortic valve disease 2. Last evaluated: 2024-09-21. Review status: criteria provided, single submitter. Criteria: Invitae Variant Classification Sherloc (09022015). Collection method: clinical testing. Allele origin: germline.
Comment: This sequence change replaces threonine, which is neutral and polar, with isoleucine, which is neutral and non-polar, at codon 283 of the TBX5 protein (p.Thr283Ile). This variant is not present in population databases (gnomAD no frequency). This variant has not been reported in the literature in individuals affected with TBX5-related conditions. Invitae Evidence Modeling of protein sequence and biophysical properties (such as structural, functional, and spatial information, amino acid conservation, physicochemical variation, residue mobility, and thermodynamic stability) indicates that this missense variant is not expected to disrupt TBX5 protein function with a negative predictive value of 80%. In summary, the available evidence is currently insufficient to determine the role of this variant in disease. Therefore, it has been classified as a Variant of Uncertain Significance.

NM_181486.4(TBX5):c.848C>T (p.Thr283Ile)

Gene: TBX5 (T-box transcription factor 5; minus strand). Cytogenetic location: 12q24.21.
Variant type: single nucleotide variant.
Coding change: c.848C>T on transcript NM_181486.4 (MANE Select); coding-DNA position 848, C replaced by T.
Protein change: p.Thr283Ile; replaces threonine 283 with isoleucine.
Molecular consequence: missense variant.
Genome position (GRCh38, 1-based): chr12:114,366,299, G>A on the plus strand (C>T on the coding strand, the complement: TBX5 is on the minus strand). VCF-style: chr12-114366299-G-A. GRCh37 (hg19) VCF-style: chr12-114804104-G-A.
Other names: c.848C>T, p.Thr283Ile (NM_000192.3); c.698C>T, p.Thr233Ile (NM_080717.4); short protein forms T283I, T233I.
Identifiers: ClinVar variation 3699680 (VCV003699680.2).